The following is an entry in ClinVar:

ClinVar aggregate classification (germline): Uncertain significance (1 of 4 stars; one submission).

gnomAD v4.1: 1 of 1,612,140 alleles (0.000062%); highest among the groups gnomAD compares: Non-Finnish European, 0.000085%; no homozygotes.

Submission:

Quest Diagnostics Nichols Institute San Juan Capistrano
Classification: Uncertain significance. Last evaluated: 2025-09-16. Review status: criteria provided, single submitter. Criteria: Quest Diagnostics criteria. Collection method: clinical testing. Allele origin: unknown.
Comment: The FANCA c.2520A>G (p.Ala840=) synonymous variant has not been reported in individuals with FANCA-related conditions in the published literature. This variant also has not been reported in large, multi-ethnic general populations (Genome Aggregation Database). Analysis of this variant using software algorithms for the prediction of the effect of nucleotide changes on splicing yielded predictions that this variant does not affect FANCA mRNA splicing. Based on the available information, we are unable to determine the clinical significance of this variant.

NM_000135.4(FANCA):c.2520A>G (p.Ala840=)

Gene: FANCA (FA complementation group A; minus strand). Cytogenetic location: 16q24.3.
Variant type: single nucleotide variant.
Coding change: c.2520A>G on transcript NM_000135.4 (MANE Select); coding-DNA position 2520, A replaced by G.
Protein change: p.Ala840=; no amino-acid change (alanine 840 retained).
Molecular consequence: synonymous variant.
Genome position (GRCh38, 1-based): chr16:89,767,222, T>C on the plus strand (A>G on the coding strand, the complement: FANCA is on the minus strand). VCF-style: chr16-89767222-T-C. GRCh37 (hg19) VCF-style: chr16-89833630-T-C.
Other names: c.2520A>G, p.Ala840= (NM_001286167.3).
Identifiers: ClinVar variation 4532864 (VCV004532864.1).